The following is an entry in ClinVar:

NM_080680.3(COL11A2):c.4452G>T (p.Glu1484Asp)

Gene: COL11A2 (collagen type XI alpha 2 chain; minus strand). Cytogenetic location: 6p21.32.
Variant type: single nucleotide variant.
Coding change: c.4452G>T on transcript NM_080680.3 (MANE Select); coding-DNA position 4452, G replaced by T.
Protein change: p.Glu1484Asp; replaces glutamic acid 1484 with aspartic acid.
Molecular consequence: missense variant.
Genome position (GRCh38, 1-based): chr6:33,165,961, C>A on the plus strand (G>T on the coding strand, the complement: COL11A2 is on the minus strand). VCF-style: chr6-33165961-C-A. GRCh37 (hg19) VCF-style: chr6-33133738-C-A.
Other names: c.4272G>T, p.Glu1424Asp (NM_001424108.1); c.3606G>T, p.Glu1202Asp (NM_001424109.1); c.3426G>T, p.Glu1142Asp (NM_001424110.1, NM_001424111.1); c.2406G>T, p.Glu802Asp (NM_001424112.1); c.4131G>T, p.Glu1377Asp (NM_080679.3); c.4194G>T, p.Glu1398Asp (NM_080681.3); short protein forms E1142D, E1202D, E1377D, E1398D, E1424D, E1484D, E802D.
Identifiers: ClinVar variation 2663191 (VCV002663191.1), dbSNP rs1389663921, ClinGen allele CA363619566.
Genomic context (GRCh38, chr6:33,165,961, plus strand): 5'-CCCTGGGAGCAGCCCTGACTCCTCACTCACCGGGTGTCCTGGAGGGCCCTGCACACCCTT[C>A]TCTCCCTTGGGTCCGCCTGGGCCCTGACAAGGAATAAATCAGGTCATGGAGGGGTCAAGA-3'
Protein context (NP_542411.2, residues 1474-1494): GATGPGGPKG[Glu1484Asp]KGVQGPPGHP

ClinVar aggregate classification (germline): Uncertain significance (1 of 4 stars; one submission).

Submission:

GeneDx
Classification: Uncertain significance. Last evaluated: 2023-05-05. Review status: criteria provided, single submitter. Criteria: GeneDx Variant Classification Process June 2021. Collection method: clinical testing. Allele origin: germline. Affected: yes.
Comment: Not observed at significant frequency in large population cohorts (gnomAD); In silico analysis supports that this missense variant does not alter protein structure/function; Occurs in the triple helical domain at the X position in the canonical Gly-X-Y repeat; although this variant may have an effect on normal protein folding and function, missense substitution at the X position is not a common mechanism of disease; Has not been previously published as pathogenic or benign to our knowledge